The following is an entry in ClinVar:

NM_080473.5(GATA5):c.1007C>T (p.Pro336Leu)

Gene: GATA5 (GATA binding protein 5; minus strand). Cytogenetic location: 20q13.33.
Variant type: single nucleotide variant.
Coding change: c.1007C>T on transcript NM_080473.5 (MANE Select); coding-DNA position 1007, C replaced by T.
Protein change: p.Pro336Leu; replaces proline 336 with leucine.
Molecular consequence: missense variant.
Genome position (GRCh38, 1-based): chr20:62,465,371, G>A on the plus strand (C>T on the coding strand, the complement: GATA5 is on the minus strand). VCF-style: chr20-62465371-G-A. GRCh37 (hg19) VCF-style: chr20-61040427-G-A.
Other names: short protein forms P336L.
Identifiers: ClinVar variation 3623189 (VCV003623189.2).

ClinVar aggregate classification (germline): Uncertain significance (1 of 4 stars; one submission).

Submission:

Labcorp Genetics (formerly Invitae), Labcorp
Classification: Uncertain significance. Last evaluated: 2024-04-03. Review status: criteria provided, single submitter. Criteria: Invitae Variant Classification Sherloc (09022015). Collection method: clinical testing. Allele origin: germline.
Comment: This sequence change replaces proline, which is neutral and non-polar, with leucine, which is neutral and non-polar, at codon 336 of the GATA5 protein (p.Pro336Leu). This variant is not present in population databases (gnomAD no frequency). This variant has not been reported in the literature in individuals affected with GATA5-related conditions. Advanced modeling of protein sequence and biophysical properties (such as structural, functional, and spatial information, amino acid conservation, physicochemical variation, residue mobility, and thermodynamic stability) performed at Invitae indicates that this missense variant is not expected to disrupt GATA5 protein function with a negative predictive value of 80%. In summary, the available evidence is currently insufficient to determine the role of this variant in disease. Therefore, it has been classified as a Variant of Uncertain Significance.